The following is an entry in ClinVar:

ClinVar aggregate classification (germline): Uncertain significance. Review status: criteria provided, multiple submitters, no conflicts (2 of 4 stars). 4 submissions from 4 submitters: Uncertain significance (4). Last evaluated 2025-09-15.

Conditions:
Cardiac arrhythmia. Also called: Arrhythmia; Cardiac rhythm disease. Identifiers: MedGen C0003811, MONDO:0007263, HP:0011675.
Cardiovascular phenotype. Identifiers: MedGen CN230736.
Long QT syndrome (LQTS). Identifiers: MedGen C0023976, MeSH D008133, MONDO:0002442. Disease mechanism: loss of function. Inheritance: Various modes of inheritance.

Submissions (4):

Color Diagnostics, LLC DBA Color Health
Classification: Uncertain significance for Cardiac arrhythmia. Last evaluated: 2025-09-15. Review status: criteria provided, single submitter. Criteria: ACMG Guidelines, 2015. Collection method: clinical testing. Allele origin: germline.
Comment: This variant results in the replacement of serine at codon 890 in the KCNH2 protein with two novel amino acids (p.Ser890delinsArgLys). To our knowledge, functional studies have not been reported for this variant. This variant has not been reported in individuals affected with KCNH2-related disorders in the literature. This variant has not been identified in the general population by the Genome Aggregation Database (gnomAD). The available evidence is insufficient to determine the role of this variant in disease conclusively. Therefore, this variant is classified as a Variant of Uncertain Significance.

All of Us Research Program, National Institutes of Health
Classification: Uncertain significance for Long QT syndrome. Last evaluated: 2024-08-29. Review status: criteria provided, single submitter. Criteria: ACMG Guidelines, 2015. Collection method: clinical testing. Allele origin: germline. Inheritance: Autosomal dominant inheritance. Observed: 2 variant alleles, 2 heterozygotes.
Comment: This study involves interpretation of variants in research participants for the purpose of population health screening. Participant phenotype was not available at the time of variant classification. Additional details can be found in publication PMID: 35346344, PMCID: PMC8962531

GeneDx
Classification: Uncertain significance. Last evaluated: 2022-10-06. Review status: criteria provided, single submitter. Criteria: GeneDx Variant Classification Process June 2021. Collection method: clinical testing. Allele origin: germline. Affected: yes.
Comment: Not observed at significant frequency in large population cohorts (gnomAD); In-frame deletion of 1amino acid and insertion of 2 amino acids in a non-repeat region; In silico analysis supports a deleterious effect on protein structure/function; Has not been previously published as pathogenic or benign to our knowledge

Ambry Genetics
Classification: Uncertain significance for Cardiovascular phenotype. Last evaluated: 2020-05-28. Review status: criteria provided, single submitter. Criteria: Ambry Variant Classification Scheme 2023. Collection method: clinical testing. Allele origin: germline.
Comment: The c.2668_2670delTCCinsCGCAAG variant (also known as p.S890delinsRK), located in coding exon 11 of the KCNH2 gene, results from an in-frame deletion of TCC and insertion of CGCAAG between nucleotide positions 2668 to 2670. This results in the deletion of a serine residue and the insertion of arginine and lysine residues at codon 890. This amino acid position is highly conserved in available vertebrate species. In addition, this alteration is predicted to be inconclusive by in silico analysis (Choi Y et al. PLoS ONE. 2012; 7(10):e46688). Since supporting evidence is limited at this time, the clinical significance of this alteration remains unclear.

NM_000238.4(KCNH2):c.2668_2670delinsCGCAAG (p.Ser890delinsArgLys)

Gene: KCNH2 (potassium voltage-gated channel subfamily H member 2; minus strand). Cytogenetic location: 7q36.1.
Variant type: Indel.
Coding change: c.2668_2670delinsCGCAAG on transcript NM_000238.4 (MANE Select); coding-DNA positions 2668 to 2670, TCC replaced by CGCAAG.
Protein change: p.Ser890delinsArgLys.
Molecular consequence: inframe indel.
Genome position (GRCh38, 1-based): chr7:150,948,466-150,948,468, GGA replaced by CTTGCG on the plus strand (TCC replaced by CGCAAG on the coding strand, the reverse complement: KCNH2 is on the minus strand). VCF-style: chr7-150948466-GGA-CTTGCG. GRCh37 (hg19) VCF-style: chr7-150645554-GGA-CTTGCG.
Other names: c.2380_2382delTCCinsCGCAAG, p.Ser794delinsArgLys (NM_001406753.1); c.1648_1650delinsCGCAAG, p.Ser550delinsArgLys (NM_172057.3).
Identifiers: ClinVar variation 1708604 (VCV001708604.7), dbSNP rs2486012146, ClinGen allele CA2580077779.
Genomic context (GRCh38, chr7:150,948,466, plus strand): 5'-GTCCCCGCCCTCCCCCTTCCTCCCCTCCCCCGCCTCACCCTTGTCCGTGCGCCTGCGGAA[GGA>CTTGCG]CAACTTGCGCTTGCGTTGCCGACTGAAGCCACCCTCTAACTCCGTACTGCCGGGGGAGCC-3'